The following is an entry in ClinVar:

ClinVar aggregate classification (germline): Likely pathogenic. Review status: criteria provided, multiple submitters, no conflicts (2 of 4 stars). 4 submissions from 4 submitters: Likely pathogenic (4). Last evaluated 2025-12-24.

Conditions:
MCCC1-related disorder. Also called: MCCC1-related condition.
3-methylcrotonyl-CoA carboxylase 1 deficiency (MCC1D). Also called: MCCD TYPE 1; METHYLCROTONYLGLYCINURIA TYPE I; MCC 1 deficiency; 3 Alpha methylcrotonylglycinuria 1. Identifiers: Orphanet 6, MedGen CN028786, MONDO:0008861, OMIM 210200.

Allele frequency attached by ClinVar (database versions not stated): gnomAD 0.00001; gnomAD exomes 0.00002; TOPMed 0.00002; ExAC 0.00005.
gnomAD v4.1: 6 of 1,596,258 alleles (0.00038%); highest among the groups gnomAD compares: Admixed American, 0.01%; no homozygotes.

Submissions (4):

Labcorp Genetics (formerly Invitae), Labcorp
Classification: Likely pathogenic for 3-methylcrotonyl-CoA carboxylase 1 deficiency. Last evaluated: 2025-12-24. Review status: criteria provided, single submitter. Criteria: Invitae Variant Classification Sherloc (09022015). Collection method: clinical testing. Allele origin: germline.
Comment: This sequence change affects a donor splice site in intron 1 of the MCCC1 gene. It is expected to disrupt RNA splicing. Variants that disrupt the donor or acceptor splice site typically lead to a loss of protein function (PMID: 16199547), and loss-of-function variants in MCCC1 are known to be pathogenic (PMID: 11181649, 15359379, 22642865). This variant is present in population databases (rs771730236, gnomAD 0.02%). This variant has not been reported in the literature in individuals affected with MCCC1-related conditions. ClinVar contains an entry for this variant (Variation ID: 649749). Algorithms developed to predict the effect of sequence changes on RNA splicing suggest that this variant may disrupt the consensus splice site. In summary, the currently available evidence indicates that the variant is pathogenic, but additional data are needed to prove that conclusively. Therefore, this variant has been classified as Likely Pathogenic.

Natera, Inc.
Classification: Likely pathogenic for 3-methylcrotonyl-CoA carboxylase 1 deficiency. Last evaluated: 2025-10-21. Review status: criteria provided, single submitter. Criteria: Natera Variant Classification Schema (03/2026). Collection method: clinical testing. Allele origin: germline.
Comment: The c.89+1G>C variant in MCCC1 is a canonical splice donor site variant predicted to affect pre-mRNA splicing, which may result in an abnormal transcript and altered protein product. This variant is expected to result in nonsense mediated decay, truncation, or a dysfunctional protein product. This variant is rare in the general population with a frequency below the threshold expected for the associated phenotype(s). Given the available evidence, this variant is classified as Likely Pathogenic.

PreventionGenetics, part of Exact Sciences
Classification: Likely pathogenic for MCCC1-related condition. Last evaluated: 2023-10-01. Review status: criteria provided, single submitter. Criteria: ACMG Guidelines, 2015. Collection method: clinical testing. Allele origin: germline.
Comment: The MCCC1 c.89+1G>C variant is predicted to disrupt the GT donor site and interfere with normal splicing. To our knowledge, this variant has not been reported in the literature. This variant is reported in 0.018% of alleles in individuals of Latino descent in gnomAD. Variants that disrupt consensus splice donor sites in MCCC1 are expected to be pathogenic, and other predicted loss-of-function variants in MCCC1 have been reported up- and downstream of this variant (e.g., Grünert et al. 2012. PubMed ID: 22642865; Morscher et al. 2012. PubMed ID: 22264772). This variant is interpreted as likely pathogenic.

Baylor Genetics
Classification: Likely pathogenic for 3-methylcrotonyl-CoA carboxylase 1 deficiency. Last evaluated: 2020-09-16. Review status: criteria provided, single submitter. Criteria: ACMG Guidelines, 2015. Collection method: clinical testing. Allele origin: unknown. Affected: yes.
Comment: This variant was determined to be likely pathogenic according to ACMG Guidelines, 2015 [PMID:25741868].

Literature cited by the submitters: PubMed 16199547 (cited by Labcorp Genetics (formerly Invitae), Labcorp); PubMed 11181649 (cited by Labcorp Genetics (formerly Invitae), Labcorp); PubMed 15359379 (cited by Labcorp Genetics (formerly Invitae), Labcorp); PubMed 22642865 (cited by Labcorp Genetics (formerly Invitae), Labcorp).

NM_020166.5(MCCC1):c.89+1G>C

Gene: MCCC1 (methylcrotonyl-CoA carboxylase subunit 1; minus strand). Cytogenetic location: 3q27.1.
Variant type: single nucleotide variant.
Coding change: c.89+1G>C on transcript NM_020166.5 (MANE Select); the canonical splice donor site of the intron after coding-DNA position 89, G replaced by C.
Molecular consequence: splice donor variant.
Genome position (GRCh38, 1-based): chr3:183,099,351, C>G on the plus strand (G>C on the coding strand, the complement: MCCC1 is on the minus strand). VCF-style: chr3-183099351-C-G. GRCh37 (hg19) VCF-style: chr3-182817139-C-G.
Other names: c.-102+1G>C (NM_001363880.1); c.-4+1G>C (NM_001293273.2).
Identifiers: ClinVar variation 649749 (VCV000649749.16), dbSNP rs771730236, ClinGen allele CA2719229.